The following is an entry in ClinVar:

NM_000051.4(ATM):c.7387_7394del (p.Leu2463fs)

Genes: ATM (ATM serine/threonine kinase; plus strand), C11orf65 (chromosome 11 open reading frame 65; minus strand). Cytogenetic location: 11q22.3.
Variant type: Deletion.
Coding change: c.7387_7394del on transcript NM_000051.4 (MANE Select); coding-DNA positions 7387 to 7394, 8 bases deleted (TTATGTAA; older notation c.7387_7394delTTATGTAA).
Protein change: p.Leu2463fs; shifts the reading frame from leucine 2463.
Molecular consequence: frameshift variant. On other transcripts: intron variant (2).
Genome position (GRCh38, 1-based): chr11:108,330,293-108,330,300, TTATGTAA deleted. VCF-style (leftmost placement, unchanged base first): chr11-108330292-CTTATGTAA-C. GRCh37 (hg19) VCF-style: chr11-108201019-CTTATGTAA-C.
Other names: c.7387_7394del, p.Leu2463fs (NM_001351834.2); c.641-21229_641-21222del (NM_001330368.2); c.*38+4920_*38+4927del (NM_001351110.2); short protein forms L2463fs.
Identifiers: ClinVar variation 2706322 (VCV002706322.3), dbSNP rs2547262094, ClinGen allele CA2697556954.
Genomic context (GRCh38, chr11:108,330,292, plus strand): 5'-GCGAGAGCTGGAGTTGGATGAATTAGCCCTGCGTGCACTGAAAGAGGATCGTAAACGCTT[CTTATGTAA>C]AGCAGTTGAAAATTATATCAACTGCTTATTAAGTGGAGAAGAACATGATATGTGGGTATT-3'

ClinVar aggregate classification (germline): Pathogenic (1 of 4 stars; one submission).

Conditions:
Ataxia-telangiectasia syndrome (AT). Also called: LOUIS-BAR SYNDROME; Cerebello-oculocutaneous telangiectasia; Immunodeficiency with ataxia telangiectasia; Ataxia telangiectasia (A-T); Ataxia-telangiectasia, complementation group D; AT, COMPLEMENTATION GROUP C. Identifiers: Orphanet 100, MedGen C0004135, MONDO:0008840, OMIM 208900.

Submission:

Labcorp Genetics (formerly Invitae), Labcorp
Classification: Pathogenic for Ataxia-telangiectasia syndrome. Last evaluated: 2023-12-29. Review status: criteria provided, single submitter. Criteria: Invitae Variant Classification Sherloc (09022015). Collection method: clinical testing. Allele origin: germline.
Comment: This sequence change creates a premature translational stop signal (p.Leu2463Serfs*3) in the ATM gene. It is expected to result in an absent or disrupted protein product. Loss-of-function variants in ATM are known to be pathogenic (PMID: 23807571, 25614872). This variant is not present in population databases (gnomAD no frequency). This variant has not been reported in the literature in individuals affected with ATM-related conditions. For these reasons, this variant has been classified as Pathogenic.

Literature cited by the submitters: PubMed 23807571; PubMed 25614872.